The following is an entry in ClinVar:

NM_001270.4(CHD1):c.4388_4389del (p.Lys1463fs)

Gene: CHD1 (chromodomain helicase DNA binding protein 1; minus strand). Cytogenetic location: 5q15.
Variant type: Deletion.
Coding change: c.4388_4389del on transcript NM_001270.4 (MANE Select); coding-DNA positions 4388 to 4389, 2 bases deleted (AA; older notation c.4388_4389delAA).
Protein change: p.Lys1463fs; shifts the reading frame from lysine 1463.
Molecular consequence: frameshift variant. On other transcripts: non-coding transcript variant (1).
Genome position (GRCh38, 1-based): chr5:98,863,446-98,863,447, TT deleted on the plus strand (AA on the coding strand, the reverse complement: CHD1 is on the minus strand); deleting any 2 consecutive bases within chr5:98,863,446-98,863,449 gives the same sequence; the c. name uses the placement nearest the transcript's 3' end. VCF-style (leftmost placement, unchanged base first): chr5-98863445-CTT-C. GRCh37 (hg19) VCF-style: chr5-98199149-CTT-C.
Other names: c.4388_4389delAA (NM_001270.2); c.4388_4389del (NM_001270.2); c.4652_4653del, p.Lys1551fs (NM_001364113.3); c.4388_4389del, p.Lys1463fs (NM_001376194.2); short protein forms K1463fs, K1551fs.
Identifiers: ClinVar variation 1207395 (VCV001207395.4), dbSNP rs2112464998, ClinGen allele CA2499218015.

ClinVar aggregate classification (germline): Uncertain significance (1 of 4 stars; one submission).

Submission:

GeneDx
Classification: Uncertain significance. Last evaluated: 2023-03-09. Review status: criteria provided, single submitter. Criteria: GeneDx Variant Classification Process June 2021. Collection method: clinical testing. Allele origin: germline. Affected: yes.
Comment: Not observed in large population cohorts (gnomAD); Frameshift variant predicted to result in protein truncation or nonsense mediated decay in a gene for which loss-of-function is not a known mechanism of disease; Has not been previously published as pathogenic or benign to our knowledge